The following is an entry in ClinVar:

NM_004304.5(ALK):c.1409T>C (p.Met470Thr)

Gene: ALK (ALK receptor tyrosine kinase; minus strand). Cytogenetic location: 2p23.2.
Variant type: single nucleotide variant.
Coding change: c.1409T>C on transcript NM_004304.5 (MANE Select); coding-DNA position 1409, T replaced by C.
Protein change: p.Met470Thr; replaces methionine 470 with threonine.
Molecular consequence: missense variant.
Genome position (GRCh38, 1-based): chr2:29,328,355, A>G on the plus strand (T>C on the coding strand, the complement: ALK is on the minus strand). VCF-style: chr2-29328355-A-G. GRCh37 (hg19) VCF-style: chr2-29551221-A-G.
Other names: short protein forms M470T.
Identifiers: ClinVar variation 3223792 (VCV003223792.1), dbSNP rs2465459076, ClinGen allele CA346474090.

ClinVar aggregate classification (germline): Uncertain significance (1 of 4 stars; one submission).

Conditions:
Hereditary cancer-predisposing syndrome. Also called: Tumor predisposition; Hereditary neoplastic syndrome; Hereditary Cancer Syndrome; Neoplastic Syndromes, Hereditary. Identifiers: Orphanet 140162, MedGen C0027672, MeSH D009386, MONDO:0015356.

Allele frequency attached by ClinVar (database versions not stated): gnomAD exomes below 0.00001.
gnomAD v4.1: 2 of 1,614,144 alleles (0.00012%); highest among the groups gnomAD compares: Non-Finnish European, 0.00017%; no homozygotes.

Submission:

Ambry Genetics
Classification: Uncertain significance for Hereditary cancer-predisposing syndrome. Last evaluated: 2023-11-15. Review status: criteria provided, single submitter. Criteria: Ambry Variant Classification Scheme 2023. Collection method: clinical testing. Allele origin: germline.
Comment: The p.M470T variant (also known as c.1409T>C), located in coding exon 6 of the ALK gene, results from a T to C substitution at nucleotide position 1409. The methionine at codon 470 is replaced by threonine, an amino acid with similar properties. This amino acid position is conserved. In addition, this alteration is predicted to be tolerated by in silico analysis. Since supporting evidence is limited at this time, the clinical significance of this alteration remains unclear.